The following is an entry in ClinVar:

NM_000083.3(CLCN1):c.127C>T (p.Gln43Ter)

Gene: CLCN1 (chloride voltage-gated channel 1; plus strand). Cytogenetic location: 7q34.
Variant type: single nucleotide variant.
Coding change: c.127C>T on transcript NM_000083.3 (MANE Select); coding-DNA position 127, C replaced by T.
Protein change: p.Gln43Ter; replaces glutamine 43 with a stop codon.
Molecular consequence: nonsense. On other transcripts: non-coding transcript variant (1).
Genome position (GRCh38, 1-based): chr7:143,316,339, C>T. VCF-style: chr7-143316339-C-T. GRCh37 (hg19) VCF-style: chr7-143013432-C-T.
Other names: short protein forms Q43*.
Identifiers: ClinVar variation 2942053 (VCV002942053.6), dbSNP rs563275093, ClinGen allele CA4536826.
Genomic context (GRCh38, chr7:143,316,339, plus strand): 5'-CAGTATATGCCCTTTGAACACTGCACCAGCTACGGACTGCCCTCTGAGAATGGGGGCCTC[C>T]AGCACAGGCTCCGGAAGGATGCAGGCCCCCGCCACAACGTCCACCCCACACAGGTAAAGT-3'

ClinVar aggregate classification (germline): Pathogenic/Likely pathogenic. Review status: criteria provided, multiple submitters, no conflicts (2 of 4 stars). 3 submissions from 3 submitters: Pathogenic (2); Likely pathogenic (1). Last evaluated 2025-12-29.

Conditions:
Congenital myotonia, autosomal recessive form. Also called: BECKER DISEASE; Becker Generalized Myotonia; myotonia congenita, autosomal recessive. Identifiers: Orphanet 614, MedGen C0751360, MONDO:0009715, OMIM 255700.
Congenital myotonia, autosomal dominant form (THD). Also called: THOMSEN DISEASE; Myotonia congenita autosomal dominant. Identifiers: Orphanet 614, MedGen C2936781, MONDO:0008055, OMIM 160800.

Allele frequency attached by ClinVar (database versions not stated): ExAC 0.00001; gnomAD 0.00001; 1000 Genomes Project 30x 0.00016; 1000 Genomes Project 0.00020.
gnomAD v4.1: 3 of 1,612,656 alleles (0.00019%); highest among the groups gnomAD compares: South Asian, 0.0011%; no homozygotes.

Submissions (3):

Labcorp Genetics (formerly Invitae), Labcorp
Classification: Pathogenic for Congenital myotonia, autosomal recessive form; Congenital myotonia, autosomal dominant form. Last evaluated: 2025-12-29. Review status: criteria provided, single submitter. Criteria: Invitae Variant Classification Sherloc (09022015). Collection method: clinical testing. Allele origin: germline.
Comment: This sequence change creates a premature translational stop signal (p.Gln43*) in the CLCN1 gene. It is expected to result in an absent or disrupted protein product. Loss-of-function variants in CLCN1 are known to be pathogenic (PMID: 17932099, 22094069, 23739125). This variant is present in population databases (rs563275093, gnomAD 0.02%). This variant has not been reported in the literature in individuals affected with CLCN1-related conditions. ClinVar contains an entry for this variant (Variation ID: 2942053). Algorithms developed to predict the effect of sequence changes on RNA splicing suggest that this variant may disrupt the consensus splice site. For these reasons, this variant has been classified as Pathogenic.

Kariminejad - Najmabadi Pathology & Genetics Center
Classification: Likely pathogenic for Congenital myotonia, autosomal recessive form. Last evaluated: 2024-02-11. Review status: criteria provided, single submitter. Criteria: ACMG Guidelines, 2015. Collection method: clinical testing. Allele origin: germline. Inheritance: Autosomal recessive inheritance. Affected: yes.
Comment: PVS1_ST,PM2_M

Juno Genomics, Hangzhou Juno Genomics, Inc
Classification: Pathogenic for Congenital myotonia, autosomal dominant form; Congenital myotonia, autosomal recessive form. Review status: criteria provided, single submitter. Criteria: ACMG Guidelines, 2015. Collection method: clinical testing. Allele origin: germline.
Comment: Absent from controls (or at extremely low frequency if recessive) in Genome Aggregation Database.;Null variant in a gene where loss of function (LOF) is a known mechanism of disease.;The prevalence of the variant in affected individuals is significantly increased compared to the prevalence in controls.;For recessive disorders, detected in trans with a pathogenic variant.

Literature cited by the submitters: PubMed 17932099 (cited by Labcorp Genetics (formerly Invitae), Labcorp); PubMed 22094069 (cited by Labcorp Genetics (formerly Invitae), Labcorp); PubMed 23739125 (cited by Labcorp Genetics (formerly Invitae), Labcorp).